The following is an entry in ClinVar:

ClinVar aggregate classification (germline): Uncertain significance (1 of 4 stars; one submission).

gnomAD v4.1: 1 of 1,614,014 alleles (0.000062%); highest among the groups gnomAD compares: Non-Finnish European, 0.000085%; no homozygotes.

Submission:

Labcorp Genetics (formerly Invitae), Labcorp
Classification: Uncertain significance. Last evaluated: 2025-07-16. Review status: criteria provided, single submitter. Criteria: Invitae Variant Classification Sherloc (09022015). Collection method: clinical testing. Allele origin: germline.
Comment: This sequence change falls in intron 15 of the RNF213 gene. It does not directly change the encoded amino acid sequence of the RNF213 protein. It affects a nucleotide within the consensus splice site. This variant is present in population databases (no rsID available, gnomAD 0.003%). This variant has not been reported in the literature in individuals affected with RNF213-related conditions. Variants that disrupt the consensus splice site are a relatively common cause of aberrant splicing (PMID: 17576681, 9536098). Algorithms developed to predict the effect of sequence changes on RNA splicing suggest that this variant is not likely to affect RNA splicing. In summary, the available evidence is currently insufficient to determine the role of this variant in disease. Therefore, it has been classified as a Variant of Uncertain Significance.

Literature cited by the submitters: PubMed 17576681; PubMed 9536098.

NM_001256071.3(RNF213):c.2811+6C>T

Gene: RNF213 (ring finger protein 213; plus strand). Cytogenetic location: 17q25.3.
Variant type: single nucleotide variant.
Coding change: c.2811+6C>T on transcript NM_001256071.3 (MANE Select); 6 bases into the intron after coding-DNA position 2811, C replaced by T.
Molecular consequence: intron variant.
Genome position (GRCh38, 1-based): chr17:80,313,173, C>T. VCF-style: chr17-80313173-C-T. GRCh37 (hg19) VCF-style: chr17-78286973-C-T.
Other names: c.2958+6C>T (NM_020914.5, NM_001410195.1); c.2811+6C>T (NM_020954.4).
Identifiers: ClinVar variation 4767042 (VCV004767042.1).
Genomic context (GRCh38, chr17:80,313,173, plus strand): 5'-AAAGAACATGCTCACATCTTCAGGTGCCTCATTCACATACGTCAAGGAAATTGAGGTAGG[C>T]ATTTGGCCGAAGGCTTCTGGGTAGGGATGTGACTGATCGTGATTCCTCATGGCCTCAAAT-3'